The following is an entry in ClinVar:

ClinVar aggregate classification (germline): Uncertain significance. Review status: criteria provided, multiple submitters, no conflicts (2 of 4 stars). 2 submissions from 2 submitters: Uncertain significance (2). Last evaluated 2025-09-09.

Conditions:
Charcot-Marie-Tooth disease type 2. Also called: Charcot-Marie-Tooth type 2. Identifiers: Orphanet 64746, MedGen C0270914, MONDO:0018993.

Allele frequency attached by ClinVar (database versions not stated): gnomAD exomes 0.00001.
gnomAD v4.1: 9 of 1,614,120 alleles (0.00056%); highest among the groups gnomAD compares: African/African-American, 0.0013%; no homozygotes.

Submissions (2):

Ambry Genetics
Classification: Uncertain significance. Last evaluated: 2025-09-09. Review status: criteria provided, single submitter. Criteria: Ambry Variant Classification Scheme 2023. Collection method: clinical testing. Allele origin: germline.
Comment: The p.N16S variant (also known as c.47A>G), located in coding exon 1 of the KIF1B gene, results from an A to G substitution at nucleotide position 47. The asparagine at codon 16 is replaced by serine, an amino acid with highly similar properties. This amino acid position is highly conserved in available vertebrate species. In addition, this alteration is predicted to be tolerated by in silico analysis. The evidence for this gene-disease relationship is limited; therefore, the clinical significance of this alteration is unclear.

Labcorp Genetics (formerly Invitae), Labcorp
Classification: Uncertain significance for Charcot-Marie-Tooth disease type 2. Last evaluated: 2023-01-24. Review status: criteria provided, single submitter. Criteria: Invitae Variant Classification Sherloc (09022015). Collection method: clinical testing. Allele origin: germline.
Comment: This variant has not been reported in the literature in individuals affected with KIF1B-related conditions. This variant is present in population databases (no rsID available, gnomAD 0.0009%). This sequence change replaces asparagine, which is neutral and polar, with serine, which is neutral and polar, at codon 16 of the KIF1B protein (p.Asn16Ser). ClinVar contains an entry for this variant (Variation ID: 1041519). In summary, the available evidence is currently insufficient to determine the role of this variant in disease. Therefore, it has been classified as a Variant of Uncertain Significance. Advanced modeling of protein sequence and biophysical properties (such as structural, functional, and spatial information, amino acid conservation, physicochemical variation, residue mobility, and thermodynamic stability) performed at Invitae indicates that this missense variant is not expected to disrupt KIF1B protein function.

NM_001365951.3(KIF1B):c.47A>G (p.Asn16Ser)

Genes: KIF1B (kinesin family member 1B; plus strand), LOC129388446 (MPRA-validated peak64 silencer; plus strand). Cytogenetic location: 1p36.22.
Variant type: single nucleotide variant.
Coding change: c.47A>G on transcript NM_001365951.3 (MANE Select); coding-DNA position 47, A replaced by G.
Protein change: p.Asn16Ser; replaces asparagine 16 with serine.
Molecular consequence: missense variant.
Genome position (GRCh38, 1-based): chr1:10,232,375, A>G. VCF-style: chr1-10232375-A-G. GRCh37 (hg19) VCF-style: chr1-10292433-A-G.
Other names: c.47A>G, p.Asn16Ser (NM_001365952.1, NM_001365953.1, NM_015074.3 and 1 more transcripts); short protein forms N16S.
Identifiers: ClinVar variation 1041519 (VCV001041519.12), dbSNP rs1409278786, ClinGen allele CA338315965.